The following is an entry in ClinVar:

ClinVar aggregate classification (germline): Conflicting classifications of pathogenicity. Review status: criteria provided, conflicting classifications (1 of 4 stars). 3 submissions from 3 submitters: Uncertain significance (1); Likely benign (2). Last evaluated 2026-01-05.

Conditions:
Aortic valve disease 2 (AOVD2). Identifiers: MedGen C3542024, MONDO:0013902, OMIM 614823.
Inborn genetic diseases. Identifiers: MedGen C0950123, MeSH D030342.

Allele frequency attached by ClinVar (database versions not stated): ExAC 0.00012; 1000 Genomes Project 0.00060; gnomAD exomes 0.00006; 1000 Genomes Project 30x 0.00094; TOPMed 0.00001; gnomAD 0.00002.
gnomAD v4.1: 99 of 1,613,626 alleles (0.0061%); highest among the groups gnomAD compares: South Asian, 0.1%; no homozygotes.

Submissions (3):

Labcorp Genetics (formerly Invitae), Labcorp
Classification: Likely benign for Aortic valve disease 2. Last evaluated: 2026-01-05. Review status: criteria provided, single submitter. Criteria: Invitae Variant Classification Sherloc (09022015). Collection method: clinical testing. Allele origin: germline.

Ambry Genetics
Classification: Uncertain significance for Inborn genetic diseases. Last evaluated: 2025-12-11. Review status: criteria provided, single submitter. Criteria: Ambry Variant Classification Scheme 2023. Collection method: clinical testing. Allele origin: germline.

Women's Health and Genetics/Laboratory Corporation of America, LabCorp
Classification: Likely benign. Last evaluated: 2023-03-30. Review status: criteria provided, single submitter. Criteria: LabCorp Variant Classification Summary - May 2015. Collection method: clinical testing. Allele origin: germline.
Comment: Variant summary: SMAD6 c.896C>G (p.Ser299Cys) results in a non-conservative amino acid change in the encoded protein sequence. Five of five in-silico tools predict a damaging effect of the variant on protein function. The variant allele was found at a frequency of 0.00013 in 251490 control chromosomes (gnomAD), predominantly at a frequency of 0.001 within the South Asian subpopulation in the gnomAD database. The observed variant frequency within South Asian control individuals in the gnomAD database is approximately 32 fold of the estimated maximal expected allele frequency for a pathogenic variant in SMAD6 causing Aortic Valve Disease phenotype (3.1e-05), strongly suggesting that the variant is a benign polymorphism found primarily in populations of South Asian origin. To our knowledge, no occurrence of c.896C>G in individuals affected with Aortic Valve Disease and no experimental evidence demonstrating its impact on protein function have been reported. No clinical diagnostic laboratories have submitted clinical-significance assessments for this variant to ClinVar after 2014. Based on the evidence outlined above, the variant was classified as likely benign.

NM_005585.5(SMAD6):c.896C>G (p.Ser299Cys)

Gene: SMAD6 (SMAD family member 6; plus strand). Cytogenetic location: 15q22.31.
Variant type: single nucleotide variant.
Coding change: c.896C>G on transcript NM_005585.5 (MANE Select); coding-DNA position 896, C replaced by G.
Protein change: p.Ser299Cys; replaces serine 299 with cysteine.
Molecular consequence: missense variant. On other transcripts: non-coding transcript variant (1).
Genome position (GRCh38, 1-based): chr15:66,716,442, C>G. VCF-style: chr15-66716442-C-G. GRCh37 (hg19) VCF-style: chr15-67008780-C-G.
Other names: short protein forms S299C.
Identifiers: ClinVar variation 2501169 (VCV002501169.5), dbSNP rs532621952, ClinGen allele CA7626639.
Genomic context (GRCh38, chr15:66,716,442, plus strand): 5'-CCACGGCCAACTAAGTTCTCTTTTTCTTTCCTCCCACAGATCTGTCCGATTCCACATTGT[C>G]TTACACTGAAACGGAGGCTACCAACTCCCTCATCACTGCTCCGGGTGAATTCTCAGGTCA-3'
Protein context (NP_005576.3, residues 289-309): KPLDLSDSTL[Ser299Cys]YTETEATNSL